The following is an entry in ClinVar:

ClinVar aggregate classification (germline): Likely benign (1 of 4 stars; one submission).

Allele frequency attached by ClinVar (database versions not stated): gnomAD 0.00006; ExAC 0.00007; ESP Exome Variant Server 0.00008; TOPMed 0.00008.
gnomAD v4.1: 82 of 1,614,052 alleles (0.0051%); highest among the groups gnomAD compares: Middle Eastern, 0.15%; no homozygotes.

Submission:

CeGaT Center for Human Genetics Tuebingen
Classification: Likely benign. Last evaluated: 2026-08-01. Review status: criteria provided, single submitter. Criteria: CeGaT Center For Human Genetics Tuebingen Variant Classification Criteria Version 2. Collection method: clinical testing. Allele origin: germline. Affected: yes. Observed: 2 variant alleles.
Comment: SERPIND1: BP4, BP7

NM_000185.4(SERPIND1):c.1395C>T (p.Thr465=)

Genes: PI4KA (phosphatidylinositol 4-kinase alpha; minus strand), SERPIND1 (serpin family D member 1; plus strand). Cytogenetic location: 22q11.21.
Variant type: single nucleotide variant.
Coding change: c.1395C>T on transcript NM_000185.4 (MANE Select); coding-DNA position 1395, C replaced by T.
Protein change: p.Thr465=; no amino-acid change (threonine 465 retained).
Molecular consequence: synonymous variant. On other transcripts: intron variant (3).
Genome position (GRCh38, 1-based): chr22:20,786,961, C>T. VCF-style: chr22-20786961-C-T. GRCh37 (hg19) VCF-style: chr22-21141249-C-T.
Other names: c.2262+6232G>A (NM_001362863.2); c.2328+6232G>A (NM_001362862.2, NM_058004.4).
Identifiers: ClinVar variation 2652917 (VCV002652917.24), dbSNP rs143886146, ClinGen allele CA10116130.